The following is an entry in ClinVar:

ClinVar aggregate classification (germline): Conflicting classifications of pathogenicity. Review status: criteria provided, conflicting classifications (1 of 4 stars). 2 submissions from 2 submitters: Uncertain significance (1); Likely benign (1). Last evaluated 2025-01-08.

Conditions:
Hereditary cancer-predisposing syndrome. Also called: Tumor predisposition; Hereditary neoplastic syndrome; Neoplastic Syndromes, Hereditary; Hereditary Cancer Syndrome. Identifiers: Orphanet 140162, MedGen C0027672, MeSH D009386, MONDO:0015356.
Hereditary diffuse gastric adenocarcinoma (HDGC). Also called: DIFFUSE GASTRIC AND LOBULAR BREAST CANCER SYNDROME. Identifiers: Orphanet 26106, MedGen C1708349, MONDO:0007648, OMIM 137215.

gnomAD v4.1: 1 of 1,614,186 alleles (0.000062%); highest among the groups gnomAD compares: Non-Finnish European, 0.000085%; no homozygotes.

Submissions (2):

Ambry Genetics
Classification: Likely benign for Hereditary cancer-predisposing syndrome. Last evaluated: 2025-01-08. Review status: criteria provided, single submitter. Criteria: Ambry Variant Classification Scheme 2023. Collection method: clinical testing. Allele origin: germline.

Labcorp Genetics (formerly Invitae), Labcorp
Classification: Uncertain significance for Hereditary diffuse gastric adenocarcinoma. Last evaluated: 2024-07-10. Review status: criteria provided, single submitter. Criteria: Invitae Variant Classification Sherloc (09022015). Collection method: clinical testing. Allele origin: germline.
Comment: This sequence change replaces isoleucine, which is neutral and non-polar, with threonine, which is neutral and polar, at codon 96 of the CDH1 protein (p.Ile96Thr). This variant is not present in population databases (gnomAD no frequency). This variant has not been reported in the literature in individuals affected with CDH1-related conditions. ClinVar contains an entry for this variant (Variation ID: 1496472). An algorithm developed to predict the effect of missense changes on protein structure and function outputs the following: PolyPhen-2: "Benign". The threonine amino acid residue is found in multiple mammalian species, which suggests that this missense change does not adversely affect protein function. In summary, the available evidence is currently insufficient to determine the role of this variant in disease. Therefore, it has been classified as a Variant of Uncertain Significance.

NM_004360.5(CDH1):c.287T>C (p.Ile96Thr)

Gene: CDH1 (cadherin 1; plus strand). Cytogenetic location: 16q22.1.
Variant type: single nucleotide variant.
Coding change: c.287T>C on transcript NM_004360.5 (MANE Select); coding-DNA position 287, T replaced by C.
Protein change: p.Ile96Thr; replaces isoleucine 96 with threonine.
Molecular consequence: missense variant. On other transcripts: 5 prime UTR variant (2).
Genome position (GRCh38, 1-based): chr16:68,801,793, T>C. VCF-style: chr16-68801793-T-C. GRCh37 (hg19) VCF-style: chr16-68835696-T-C.
Other names: c.287T>C, p.Ile96Thr (NM_001317184.2); c.-1329T>C (NM_001317185.2); c.-1533T>C (NM_001317186.2); c.287T>C (NM_004360.3); short protein forms I96T.
Identifiers: ClinVar variation 1496472 (VCV001496472.9), dbSNP rs2152126853, ClinGen allele CA396457312.
Genomic context (GRCh38, chr16:68,801,793, plus strand): 5'-AAGTGGGCACAGATGGTGTGATTACAGTCAAAAGGCCTCTACGGTTTCATAACCCACAGA[T>C]CCATTTCTTGGTCTACGCCTGGGACTCCACCTACAGAAAGTTTTCCACCAAAGTCACGCT-3'
Protein context (NP_004351.1, residues 86-106): KRPLRFHNPQ[Ile96Thr]HFLVYAWDST